The following is an entry in ClinVar:

NM_000530.8(MPZ):c.194C>T (p.Thr65Ile)

Gene: MPZ (myelin protein zero; minus strand). Cytogenetic location: 1q23.3.
Variant type: single nucleotide variant.
Coding change: c.194C>T on transcript NM_000530.8 (MANE Select); coding-DNA position 194, C replaced by T.
Protein change: p.Thr65Ile; replaces threonine 65 with isoleucine.
Molecular consequence: missense variant.
Genome position (GRCh38, 1-based): chr1:161,307,298, G>A on the plus strand (C>T on the coding strand, the complement: MPZ is on the minus strand). VCF-style: chr1-161307298-G-A. GRCh37 (hg19) VCF-style: chr1-161277088-G-A.
Other names: c.194C>T (LRG_256t1); c.194C>T, p.Thr65Ile (NM_001315491.2); short protein forms T65I.
Identifiers: ClinVar variation 637788 (VCV000637788.4), dbSNP rs1571819964, ClinGen allele CA343350614.
Genomic context (GRCh38, chr1:161,307,298, plus strand): 5'-GGATTCCCCCAGGCACTCACCGAAATGGCATCTCTGCCCCCTTCGGGCTGGTAGCGCCAG[G>A]TGAAGGAGATGTCATCTGAGACCCACTCACTGGACCAGAAGGAGCAGTGCAGGGTCACCC-3'
Protein context (NP_000521.2, residues 55-75): SEWVSDDISF[Thr65Ile]WRYQPEGGRD

ClinVar aggregate classification (germline): Pathogenic. Review status: criteria provided, single submitter (1 of 4 stars). 2 submissions from 2 submitters: Pathogenic (1). 1 of the submissions does not count toward it. Last evaluated 2024-10-11.

Conditions:
Charcot-Marie-Tooth disease, type I (CMT1). Also called: Charcot-Marie-Tooth disease type 1; Charcot-Marie-Tooth, Type 1. Identifiers: Orphanet 65753, MedGen C0751036, MONDO:0019011.
Charcot-Marie-Tooth disease. Also called: Charcot-Marie-Tooth Hereditary Neuropathy; Charcot-Marie-Tooth Neuropathy. Identifiers: Orphanet 166, MedGen C0007959, MONDO:0015626.

Submissions (2):

Labcorp Genetics (formerly Invitae), Labcorp
Classification: Pathogenic for Charcot-Marie-Tooth disease, type I. Last evaluated: 2024-10-11. Review status: criteria provided, single submitter. Criteria: Invitae Variant Classification Sherloc (09022015). Collection method: clinical testing. Allele origin: germline.
Comment: This sequence change replaces threonine, which is neutral and polar, with isoleucine, which is neutral and non-polar, at codon 65 of the MPZ protein (p.Thr65Ile). This variant is not present in population databases (gnomAD no frequency). This missense change has been observed in individuals with Charcot-Marie-Tooth disease (PMID: 12402337, 15050444, 24028194; internal data). ClinVar contains an entry for this variant (Variation ID: 637788). Invitae Evidence Modeling of protein sequence and biophysical properties (such as structural, functional, and spatial information, amino acid conservation, physicochemical variation, residue mobility, and thermodynamic stability) indicates that this missense variant is not expected to disrupt MPZ protein function with a negative predictive value of 80%. This variant disrupts the p.Thr65 amino acid residue in MPZ. Other variant(s) that disrupt this residue have been determined to be pathogenic (PMID: 20456450). This suggests that this residue is clinically significant, and that variants that disrupt this residue are likely to be disease-causing. For these reasons, this variant has been classified as Pathogenic.

Inherited Neuropathy Consortium
Classification: Uncertain significance for Charcot-Marie-Tooth disease. Review status: no assertion criteria provided. Collection method: literature only. Allele origin: germline. Affected: yes. Not counted in ClinVar's aggregate classification.

Literature cited by the submitters: PubMed 12402337 (cited by Labcorp Genetics (formerly Invitae), Labcorp and Inherited Neuropathy Consortium); PubMed 15050444 (cited by Labcorp Genetics (formerly Invitae), Labcorp); PubMed 24028194 (cited by Labcorp Genetics (formerly Invitae), Labcorp); PubMed 20456450 (cited by Labcorp Genetics (formerly Invitae), Labcorp).